The following is an entry in ClinVar:

ClinVar aggregate classification (germline): Pathogenic/Likely pathogenic. Review status: criteria provided, multiple submitters, no conflicts (2 of 4 stars). 4 submissions from 4 submitters: Pathogenic (2); Likely pathogenic (2). Last evaluated 2024-02-16.

Conditions:
Lynch syndrome 4 (LYNCH4). Also called: Colorectal cancer, hereditary nonpolyposis, type 4; Hereditary non-polyposis colorectal cancer, type 4. Identifiers: Orphanet 144, MedGen C1838333, MONDO:0013699, OMIM 614337. Disease mechanism: loss of function.
Hereditary nonpolyposis colon cancer (HNPCC). Also called: Hereditary nonpolyposis colorectal cancer; Familial nonpolyposis colon cancer; Hereditary Nonpolyposis Colorectal Cancer Syndrome. Identifiers: Orphanet 443909, MedGen C1333990, MONDO:0018630. Disease mechanism: loss of function.
Hereditary cancer-predisposing syndrome. Also called: Neoplastic Syndromes, Hereditary; Hereditary neoplastic syndrome; Hereditary Cancer Syndrome; Tumor predisposition. Identifiers: Orphanet 140162, MedGen C0027672, MeSH D009386, MONDO:0015356.

Submissions (4):

Ambry Genetics
Classification: Pathogenic for Hereditary cancer-predisposing syndrome. Last evaluated: 2024-02-16. Review status: criteria provided, single submitter. Criteria: Ambry Variant Classification Scheme 2023. Collection method: clinical testing. Allele origin: germline.
Comment: The c.2444_2445insTT pathogenic mutation, located in coding exon 14 of the PMS2 gene, results from an insertion of two nucleotides at position 2444, causing a translational frameshift with a predicted alternate stop codon (p.V816Wfs*2). This alteration occurs at the 3' terminus of thePMS2 gene, is not expected to trigger nonsense-mediated mRNA decay, and only impacts the last 5.6% of the protein. However, premature stop codons are typically deleterious in nature and the impacted region is critical for protein function (Ambry internal data). This variant is considered to be rare based on population cohorts in the Genome Aggregation Database (gnomAD). Based on the supporting evidence, this alteration is interpreted as a disease-causing mutation.

Myriad Genetics, Inc.
Classification: Pathogenic for Lynch syndrome 4. Last evaluated: 2023-09-25. Review status: criteria provided, single submitter. Criteria: Myriad Autosomal Dominant, Autosomal Recessive and X-Linked Classification Criteria (2023). Collection method: clinical testing. Allele origin: unknown.
Comment: This variant is considered pathogenic. This variant creates a frameshift predicted to result in premature protein truncation.

Quest Diagnostics Nichols Institute San Juan Capistrano
Classification: Likely pathogenic. Last evaluated: 2023-07-12. Review status: criteria provided, single submitter. Criteria: Quest Diagnostics criteria. Collection method: clinical testing. Allele origin: unknown.
Comment: The PMS2 c.2444_2445insTT (p.Val816Trpfs*2) variant alters the translational reading frame of the PMS2 mRNA and is predicted to cause the premature termination of PMS2 protein synthesis. This variant has not been reported in individuals with PMS2-related conditions in the published literature. This variant has not been reported in large, multi-ethnic general populations (Genome Aggregation Database). Based on the available information, this variant is classified as likely pathogenic.

Women's Health and Genetics/Laboratory Corporation of America, LabCorp
Classification: Likely pathogenic for Hereditary nonpolyposis colon cancer. Last evaluated: 2021-07-26. Review status: criteria provided, single submitter. Criteria: LabCorp Variant Classification Summary - May 2015. Collection method: clinical testing. Allele origin: germline.
Comment: Variant summary: PMS2 c.2444_2445insTT (p.Val816TrpfsX2) results in a premature termination codon, predicted to cause a truncation of the encoded protein or absence of the protein due to nonsense mediated decay, which are commonly known mechanisms for disease. Truncations downstream of this position have been classified as pathogenic by our laboratory. The variant was absent in 194842 control chromosomes. To our knowledge, no occurrence of c.2444_2445insTT in individuals affected with Lynch Syndrome and no experimental evidence demonstrating its impact on protein function have been reported. No clinical diagnostic laboratories have submitted clinical-significance assessments for this variant to ClinVar after 2014. Based on the evidence outlined above, the variant was classified as likely pathogenic.

NM_000535.7(PMS2):c.2444_2445insTT (p.Val816fs)

Gene: PMS2 (PMS1 homolog 2, mismatch repair system component; minus strand). Cytogenetic location: 7p22.1.
Variant type: Insertion.
Coding change: c.2444_2445insTT on transcript NM_000535.7 (MANE Select); coding-DNA positions 2444 to 2445, TT inserted.
Protein change: p.Val816fs; shifts the reading frame from valine 816.
Molecular consequence: frameshift variant. On other transcripts: non-coding transcript variant (1).
Genome position: GRCh38 VCF-style: chr7-5977588-C-CAA. GRCh37 (hg19) VCF-style: chr7-6017219-C-CAA.
Other names: c.2444_2445insTT (NM_000535.5); c.2039_2040insTT, p.Val681fs (NM_001322003.2, NM_001322004.2, NM_001322005.2); c.2288_2289insTT, p.Val764fs (NM_001322006.2); c.2126_2127insTT, p.Val710fs (NM_001322007.2, NM_001322008.2); c.2072_2073insTT, p.Val692fs (NM_001322009.2); c.1883_1884insTT, p.Val629fs (NM_001322010.2); c.1511_1512insTT, p.Val505fs (NM_001322011.2, NM_001322012.2); c.1871_1872insTT, p.Val625fs (NM_001322013.2); and 2 more; short protein forms V505fs, V625fs, V629fs, V681fs, V692fs, V710fs, V713fs, V764fs.
Identifiers: ClinVar variation 1192211 (VCV001192211.4), dbSNP rs2128671557, ClinGen allele CA913188206.